The following is an entry in ClinVar:

NM_001242.5(CD27):c.38G>T (p.Gly13Val)

Genes: CD27 (CD27 molecule; plus strand), CD27-AS1 (CD27 antisense RNA 1; minus strand). Cytogenetic location: 12p13.31.
Variant type: single nucleotide variant.
Coding change: c.38G>T on transcript NM_001242.5 (MANE Select); coding-DNA position 38, G replaced by T.
Protein change: p.Gly13Val; replaces glycine 13 with valine.
Molecular consequence: missense variant.
Genome position (GRCh38, 1-based): chr12:6,445,133, G>T. VCF-style: chr12-6445133-G-T. GRCh37 (hg19) VCF-style: chr12-6554299-G-T.
Other names: short protein forms G13V.
Identifiers: ClinVar variation 863143 (VCV000863143.7), dbSNP rs769004909, ClinGen allele CA6406859.
Genomic context (GRCh38, chr12:6,445,133, plus strand): 5'-AAGGAGCCGCCTGGGCAGGGACCATGGCACGGCCACATCCCTGGTGGCTGTGCGTTCTGG[G>T]GACCCTGGTGGGGCTCTCAGCTACTCCAGCCCCCAAGAGCTGCCCAGAGAGGCACTACTG-3'
Protein context (NP_001233.2, residues 3-23): RPHPWWLCVL[Gly13Val]TLVGLSATPA

ClinVar aggregate classification (germline): Uncertain significance (1 of 4 stars; one submission).

Conditions:
Lymphoproliferative syndrome 2 (LPFS2). Also called: Combined immunodeficiency due to CD27 deficiency; CD27 DEFICIENCY. Identifiers: Orphanet 238505, MedGen C3554540, MONDO:0014054, OMIM 615122.

Allele frequency attached by ClinVar (database versions not stated): gnomAD exomes 0.00001 and 0.00002; TOPMed 0.00001; ExAC 0.00002.
gnomAD v4.1: 6 of 1,607,486 alleles (0.00037%); highest among the groups gnomAD compares: Admixed American, 0.01%; no homozygotes.

Submission:

Labcorp Genetics (formerly Invitae), Labcorp
Classification: Uncertain significance for Lymphoproliferative syndrome 2. Last evaluated: 2022-08-23. Review status: criteria provided, single submitter. Criteria: Invitae Variant Classification Sherloc (09022015). Collection method: clinical testing. Allele origin: germline.
Comment: This sequence change replaces glycine, which is neutral and non-polar, with valine, which is neutral and non-polar, at codon 13 of the CD27 protein (p.Gly13Val). This variant is present in population databases (rs769004909, gnomAD 0.01%). This variant has not been reported in the literature in individuals affected with CD27-related conditions. ClinVar contains an entry for this variant (Variation ID: 863143). Algorithms developed to predict the effect of missense changes on protein structure and function (SIFT, PolyPhen-2, Align-GVGD) all suggest that this variant is likely to be disruptive. Algorithms developed to predict the effect of sequence changes on RNA splicing suggest that this variant may create or strengthen a splice site. In summary, the available evidence is currently insufficient to determine the role of this variant in disease. Therefore, it has been classified as a Variant of Uncertain Significance.